The following is an entry in ClinVar:

NM_000520.6(HEXA):c.450_456del (p.Glu151fs)

Gene: HEXA (hexosaminidase subunit alpha; minus strand). Cytogenetic location: 15q23.
Variant type: Deletion.
Coding change: c.450_456del on transcript NM_000520.6 (MANE Select); coding-DNA positions 450 to 456, 7 bases deleted (TGAGGGC; older notation c.450_456delTGAGGGC).
Protein change: p.Glu151fs; shifts the reading frame from glutamic acid 151.
Molecular consequence: frameshift variant. On other transcripts: non-coding transcript variant (1).
Genome position (GRCh38, 1-based): chr15:72,353,694-72,353,700, GCCCTCA deleted on the plus strand (TGAGGGC on the coding strand, the reverse complement: HEXA is on the minus strand); deleting any 7 consecutive bases within chr15:72,353,694-72,353,702 gives the same sequence; the c. name uses the placement nearest the transcript's 3' end. VCF-style (leftmost placement, unchanged base first): chr15-72353693-TGCCCTCA-T. GRCh37 (hg19) VCF-style: chr15-72646034-TGCCCTCA-T.
Other names: c.483_489del, p.Glu162fs (NM_001318825.2); short protein forms E151fs, E162fs.
Identifiers: ClinVar variation 4069193 (VCV004069193.2).

ClinVar aggregate classification (germline): Likely pathogenic (1 of 4 stars; one submission).

Conditions:
Tay-Sachs disease (TSD). Also called: HEXA DEFICIENCY; GM2 gangliosidosis, type 1; Hexosaminidase alpha-subunit deficiency (variant B); Sphingolipidosis, Tay-Sachs; HEXA Disorders; Hexosaminidase A Deficiency. Identifiers: Orphanet 845, MedGen C0039373, MONDO:0010100, OMIM 272800.

Submission:

Natera, Inc.
Classification: Likely pathogenic for Tay-Sachs disease. Last evaluated: 2025-01-31. Review status: criteria provided, single submitter. Criteria: Natera Variant Classification Schema (03/2026). Collection method: clinical testing. Allele origin: germline.
Comment: The c.450_456del variant in HEXA is a frameshift variant predicted to shift the reading frame beginning at codon 151 and leads to a stop codon 46 codons downstream. This variant is expected to result in nonsense mediated decay, truncation, or a dysfunctional protein product. This variant is rare in the general population with a frequency below the threshold expected for the associated phenotype(s). Given the available evidence, this variant is classified as Likely Pathogenic.